The following is an entry in ClinVar:

NM_000069.3(CACNA1S):c.1394-15C>A

Gene: CACNA1S (calcium voltage-gated channel subunit alpha1 S; minus strand). Cytogenetic location: 1q32.1.
Variant type: single nucleotide variant.
Coding change: c.1394-15C>A on transcript NM_000069.3 (MANE Select); 15 bases into the intron before coding-DNA position 1394, C replaced by A.
Molecular consequence: intron variant.
Genome position (GRCh38, 1-based): chr1:201,078,119, G>T on the plus strand (C>A on the coding strand, the complement: CACNA1S is on the minus strand). VCF-style: chr1-201078119-G-T. GRCh37 (hg19) VCF-style: chr1-201047247-G-T.
Identifiers: ClinVar variation 3074321 (VCV003074321.1), dbSNP rs748738216, ClinGen allele CA2649763429.

ClinVar aggregate classification (germline): Uncertain significance (1 of 4 stars; one submission).

Conditions:
Malignant hyperthermia, susceptibility to, 5 (MHS5). Also called: CACNA1S-Related Malignant Hyperthermia Susceptibility. Identifiers: Orphanet 423, MedGen C1866077, MONDO:0011163, OMIM 601887.

Submission:

All of Us Research Program, National Institutes of Health
Classification: Uncertain significance for Malignant hyperthermia, susceptibility to, 5. Last evaluated: 2023-11-02. Review status: criteria provided, single submitter. Criteria: ACMG Guidelines, 2015. Collection method: clinical testing. Allele origin: germline. Inheritance: Autosomal dominant inheritance. Observed: 1 variant allele, 1 heterozygote.
Comment: This variant causes a C to A nucleotide substitution at the -15 position of intron 10 of the CACNA1S gene. To our knowledge, functional studies have not been reported for this variant. This variant has not been reported in individuals affected with CACNA1S-related disorders in the literature. This variant has not been identified in the general population by the Genome Aggregation Database (gnomAD). The available evidence is insufficient to determine the role of this variant in disease conclusively. Therefore, this variant is classified as a Variant of Uncertain Significance.

This study involves interpretation of variants in research participants for the purpose of population health screening. Participant phenotype was not available at the time of variant classification. Additional details can be found in publication PMID: 35346344, PMCID: PMC8962531